The following is an entry in ClinVar:

ClinVar aggregate classification (germline): Pathogenic/Likely pathogenic. Review status: criteria provided, multiple submitters, no conflicts (2 of 4 stars). 8 submissions from 8 submitters: Pathogenic (4); Likely pathogenic (3). 1 of the submissions does not count toward it. Last evaluated 2026-01-09.

Conditions:
Mitochondrial short-chain Enoyl-Coa hydratase 1 deficiency. Also called: PxMD-ECHS1; Mitochondrial Short-Chain Enoyl-CoA Hydratase Deficiency; ECHS1 deficiency. Identifiers: Orphanet 255241, Orphanet 653880, MedGen C4225391, MONDO:0014563, OMIM 616277.

Allele frequency attached by ClinVar (database versions not stated): ExAC 0.00001; gnomAD exomes 0.00001; gnomAD 0.00005 and 0.00006; TOPMed 0.00015.

Submissions (8):

Victorian Clinical Genetics Services, Murdoch Childrens Research Institute
Classification: Pathogenic for Mitochondrial short-chain Enoyl-Coa hydratase 1 deficiency. Last evaluated: 2026-01-09. Review status: criteria provided, single submitter. Criteria: ACMG Guidelines, 2015. Collection method: clinical testing. Allele origin: germline. Affected: yes.
Comment: This variant is classified as Pathogenic. Evidence in support of pathogenic classification: Variant is present in gnomAD <0.01 for a recessive condition (v4: 32 heterozygote(s), 0 homozygote(s)); This variant has strong previous evidence of pathogenicity in unrelated individuals. This variant has been classified as pathogenic or likely pathogenic by multiple clinical laboratories in ClinVar. It has also been reported in the literature in individuals with features of ECHS1 deficiency (PMIDs: 26099313, 32677908); Strong phenotype match for this individual. Additional information: Variant is predicted to result in a missense amino acid change from Gly to Ser; This variant is heterozygous; This gene is associated with autosomal recessive disease; No published functional evidence has been identified for this variant; No comparable missense variants have previous evidence for pathogenicity; Variant is located in the annotated enoyl-CoA hydratase/isomerase domain (DECIPHER); Missense variant with inconclusive in silico prediction and uninformative conservation; Loss of function is a known mechanism of disease in this gene and is associated with mitochondrial short-chain enoyl-CoA hydratase 1 deficiency (MIM#616277); Variants in this gene are known to have variable expressivity. The age at onset and clinical manifestations of ECHS1 deficiency, are known to vary from severe neonatal onset to a slowly progressive juvenile form (PMID: 36064416).

GeneDx
Classification: Pathogenic. Last evaluated: 2025-12-09. Review status: criteria provided, single submitter. Criteria: GeneDx Variant Classification Process June 2021. Collection method: clinical testing. Allele origin: germline.
Comment: Published functional studies suggest this variant results in ECHS1 deficiency, however additional studies are needed to validate the functional effect of this variant in vivo (PMID: 40240482); Not observed at significant frequency in large population cohorts (gnomAD); In silico analysis supports that this missense variant has a deleterious effect on protein structure/function; This variant is associated with the following publications: (PMID: 32013919, 26920905, 26000322, 26099313, 34426522, 35094435, 32677908, 38258498, 40240482)

Women's Health and Genetics/Laboratory Corporation of America, LabCorp
Classification: Likely pathogenic for Mitochondrial short-chain Enoyl-Coa hydratase 1 deficiency. Last evaluated: 2025-09-12. Review status: criteria provided, single submitter. Criteria: LabCorp Variant Classification Summary - May 2015. Collection method: clinical testing. Allele origin: germline.
Comment: Variant summary: ECHS1 c.583G>A (p.Gly195Ser) results in a non-conservative amino acid change in the encoded protein sequence. Algorithms developed to predict the effect of missense changes on protein structure and function all suggest that this variant is likely to be disruptive. The variant allele was found at a frequency of 1.2e-05 in 249736 control chromosomes. c.583G>A has been observed in individual(s) affected with Mitochondrial Short-Chain Enoyl-Coa Hydratase 1 Deficiency (Haack_2015, Migliavacca_2024, Sun_2020, Tetreault_2015). These data indicate that the variant is likely to be associated with disease. To our knowledge, no experimental evidence demonstrating an impact on protein function has been reported. The following publications have been ascertained in the context of this evaluation (PMID: 26000322, 38258498, 32677908, 26099313). ClinVar contains an entry for this variant (Variation ID: 802641). Based on the evidence outlined above, the variant was classified as likely pathogenic.

CeGaT Center for Human Genetics Tuebingen
Classification: Likely pathogenic. Last evaluated: 2024-02-01. Review status: criteria provided, single submitter. Criteria: CeGaT Center For Human Genetics Tuebingen Variant Classification Criteria Version 2. Collection method: clinical testing. Allele origin: germline. Affected: yes. Observed: 1 variant allele.
Comment: ECHS1: PM3:Strong, PM2, PP3

Laboratorio de Genetica e Diagnostico Molecular, Hospital Israelita Albert Einstein
Classification: Likely pathogenic for Mitochondrial short-chain Enoyl-Coa hydratase 1 deficiency. Last evaluated: 2022-06-28. Review status: criteria provided, single submitter. Criteria: ACMG Guidelines, 2015. Collection method: clinical testing. Allele origin: germline. Affected: yes. Observed: 1 variant allele.
Comment: ACMG classification criteria: PS4 moderated, PM2 moderated, PM3 moderated

Institute of Human Genetics Munich, TUM University Hospital
Classification: Pathogenic for Mitochondrial short-chain Enoyl-Coa hydratase 1 deficiency. Last evaluated: 2020-11-10. Review status: criteria provided, single submitter. Criteria: Classification criteria August 2017. Collection method: clinical testing. Allele origin: germline. Inheritance: Autosomal recessive inheritance. Affected: yes. Observed: 1 variant allele.

Mendelics
Classification: Pathogenic for Mitochondrial short-chain Enoyl-Coa hydratase 1 deficiency. Last evaluated: 2019-05-28. Review status: criteria provided, single submitter. Criteria: Mendelics Assertion Criteria 2017. Collection method: clinical testing. Allele origin: unknown.

OMIM
Classification: Pathogenic for MITOCHONDRIAL SHORT-CHAIN ENOYL-CoA HYDRATASE 1 DEFICIENCY. Last evaluated: 2021-08-12. Review status: no assertion criteria provided. Collection method: literature only. Allele origin: germline. Not counted in ClinVar's aggregate classification.

Literature cited by the submitters: PubMed 36064416 (cited by Victorian Clinical Genetics Services, Murdoch Childrens Research Institute); PubMed 32677908 (cited by Victorian Clinical Genetics Services, Murdoch Childrens Research Institute and Women's Health and Genetics/Laboratory Corporation of America, LabCorp); PubMed 26099313 (cited by 3 submitters); PubMed 26000322 (cited by Women's Health and Genetics/Laboratory Corporation of America, LabCorp); PubMed 38258498 (cited by Women's Health and Genetics/Laboratory Corporation of America, LabCorp).

NM_004092.4(ECHS1):c.583G>A (p.Gly195Ser)

Gene: ECHS1 (enoyl-CoA hydratase, short chain 1; minus strand). Cytogenetic location: 10q26.3.
Variant type: single nucleotide variant.
Coding change: c.583G>A on transcript NM_004092.4 (MANE Select); coding-DNA position 583, G replaced by A.
Protein change: p.Gly195Ser; replaces glycine 195 with serine.
Molecular consequence: missense variant.
Genome position (GRCh38, 1-based): chr10:133,366,925, C>T on the plus strand (G>A on the coding strand, the complement: ECHS1 is on the minus strand). VCF-style: chr10-133366925-C-T. GRCh37 (hg19) VCF-style: chr10-135180429-C-T.
Other names: G295S; c.583G>A (NM_004092.3); short protein forms G195S.
Identifiers: ClinVar variation 802641 (VCV000802641.33), dbSNP rs761989177, ClinGen allele CA5765722.